The following is an entry in ClinVar:

ClinVar aggregate classification (germline): Uncertain significance. Review status: criteria provided, single submitter (1 of 4 stars). 2 submissions from 2 submitters: Uncertain significance (1). 1 of the submissions does not count toward it. Last evaluated 2024-04-03.

Conditions:
INPP5E-related disorder. Also called: INPP5E-related condition.
Joubert syndrome 1 (JBTS1). Also called: Cerebellooculorenal syndrome 1; CEREBELLOPARENCHYMAL DISORDER IV. Identifiers: MedGen C4551568, MONDO:0008944, OMIM 213300.
MORM syndrome (MORMS). Identifiers: Orphanet 75858, MedGen C1857802, MONDO:0012423, OMIM 610156.

Submissions (2):

Fulgent Genetics
Classification: Uncertain significance for Joubert syndrome 1; MORM syndrome. Last evaluated: 2024-04-03. Review status: criteria provided, single submitter. Criteria: ACMG Guidelines, 2015. Collection method: clinical testing. Allele origin: germline.

PreventionGenetics, part of Exact Sciences
Classification: Uncertain significance for INPP5E-related condition. Last evaluated: 2024-01-19. Review status: no assertion criteria provided. Collection method: clinical testing. Allele origin: germline. Not counted in ClinVar's aggregate classification.
Comment: The INPP5E c.1757C>T variant is predicted to result in the amino acid substitution p.Pro586Leu. To our knowledge, this variant has not been reported in the literature or in a large population database, indicating this variant is rare. At this time, the clinical significance of this variant is uncertain due to the absence of conclusive functional and genetic evidence.

NM_019892.6(INPP5E):c.1757C>T (p.Pro586Leu)

Gene: INPP5E (inositol polyphosphate-5-phosphatase E; minus strand). Cytogenetic location: 9q34.3.
Variant type: single nucleotide variant.
Coding change: c.1757C>T on transcript NM_019892.6 (MANE Select); coding-DNA position 1757, C replaced by T.
Protein change: p.Pro586Leu; replaces proline 586 with leucine.
Molecular consequence: missense variant.
Genome position (GRCh38, 1-based): chr9:136,430,322, G>A on the plus strand (C>T on the coding strand, the complement: INPP5E is on the minus strand). VCF-style: chr9-136430322-G-A. GRCh37 (hg19) VCF-style: chr9-139324774-G-A.
Other names: c.1754C>T, p.Pro585Leu (NM_001318502.2); short protein forms P585L, P586L.
Identifiers: ClinVar variation 3357932 (VCV003357932.2).
Genomic context (GRCh38, chr9:136,430,322, plus strand): 5'-CGGGAGAACACTGACTTGTCTCGCCCCGGCCTCACTTTCACCCGGAAGAGGCCATACACA[G>A]GGCGGTGGTCGGACGTCTTGATCCCGGGGCAGGAAGAGTAGCTCACAGGACAGATGTCAC-3'
Protein context (NP_063945.2, residues 576-596): CPGIKTSDHR[Pro586Leu]VYGLFRVKVR